The following is an entry in ClinVar:

ClinVar aggregate classification (germline): Likely benign (0 of 4 stars; one submission).

Conditions:
GRM7-related disorder. Also called: GRM7-related condition.

Allele frequency attached by ClinVar (database versions not stated): TOPMed below 0.00001; ExAC 0.00001; gnomAD 0.00001.
gnomAD v4.1: 12 of 1,614,150 alleles (0.00074%); highest among the groups gnomAD compares: Admixed American, 0.0033%; 1 homozygote.

Submission:

PreventionGenetics, part of Exact Sciences
Classification: Likely benign for GRM7-related condition. Last evaluated: 2019-07-12. Review status: no assertion criteria provided. Collection method: clinical testing. Allele origin: germline.
Comment: This variant is classified as likely benign based on ACMG/AMP sequence variant interpretation guidelines (Richards et al. 2015 PMID: 25741868, with internal and published modifications).

NM_000844.4(GRM7):c.327T>C (p.Cys109=)

Gene: GRM7 (glutamate metabotropic receptor 7; plus strand). Cytogenetic location: 3p26.1.
Variant type: single nucleotide variant.
Coding change: c.327T>C on transcript NM_000844.4 (MANE Select); coding-DNA position 327, T replaced by C.
Protein change: p.Cys109=; no amino-acid change (cysteine 109 retained).
Molecular consequence: synonymous variant.
Genome position (GRCh38, 1-based): chr3:6,861,715, T>C. VCF-style: chr3-6861715-T-C. GRCh37 (hg19) VCF-style: chr3-6903402-T-C.
Other names: c.327T>C, p.Cys109= (NM_181874.3).
Identifiers: ClinVar variation 3050342 (VCV003050342.2), dbSNP rs781674511, ClinGen allele CA2234564.
Genomic context (GRCh38, chr3:6,861,715, plus strand): 5'-CAACAGTGATCCCAACCTACTGCCCAACGTGACGCTGGGCGCGCGGATCCTGGACACTTG[T>C]TCCAGGGACACTTACGCGCTCGAACAGTCGCTTACTTTCGTCCAGGCGCTCATCCAGAAG-3'
Protein context (NP_000835.1, residues 99-119): VTLGARILDT[Cys109=]SRDTYALEQS